The following is an entry in ClinVar:

ClinVar aggregate classification (germline): Uncertain significance (1 of 4 stars; one submission).

Conditions:
Hereditary cancer-predisposing syndrome. Also called: Neoplastic Syndromes, Hereditary; Tumor predisposition; Hereditary neoplastic syndrome; Hereditary Cancer Syndrome. Identifiers: Orphanet 140162, MedGen C0027672, MeSH D009386, MONDO:0015356.

Submission:

Ambry Genetics
Classification: Uncertain significance for Hereditary cancer-predisposing syndrome. Last evaluated: 2026-07-06. Review status: criteria provided, single submitter. Criteria: Ambry Variant Classification Scheme 2023. Collection method: clinical testing. Allele origin: germline.
Comment: The p.P125S variant (also known as c.373C>T), located in coding exon 5 of the SDHC gene, results from a C to T substitution at nucleotide position 373. The proline at codon 125 is replaced by serine, an amino acid with similar properties. This amino acid position is conserved. In addition, the in silico prediction for this alteration is inconclusive. Based on the available evidence, the clinical significance of this variant remains unclear.

NM_003001.5(SDHC):c.*27C>T

Gene: SDHC (succinate dehydrogenase complex subunit C; plus strand). Cytogenetic location: 1q23.3.
Variant type: single nucleotide variant.
Coding change: c.*27C>T on transcript NM_003001.5 (MANE Select); 27 bases downstream of the stop codon, C replaced by T.
Molecular consequence: 3 prime UTR variant. On other transcripts: non-coding transcript variant (1), missense variant (3).
Genome position (GRCh38, 1-based): chr1:161,362,460, C>T. VCF-style: chr1-161362460-C-T. GRCh37 (hg19) VCF-style: chr1-161332250-C-T.
Other names: c.373C>T, p.Pro125Ser (NM_001035511.3); c.*27C>T (NM_001035512.3, NM_001035513.3, NM_001407115.1 and 5 more transcripts); c.271C>T, p.Pro91Ser (NM_001278172.3); c.316C>T, p.Pro106Ser (NM_001407121.1); short protein forms P91S, P106S, P125S.
Identifiers: ClinVar variation 5029339 (VCV005029339.1).
Genomic context (GRCh38, chr1:161,362,460, plus strand): 5'-TGTGTTGTCCTCTATGGGGCTGGCAGCCATGTGAAGAAAGGAGGCTCCCAGCATCATCTT[C>T]CTACACATTATTACATTCACCCATCTTTCTGTTTGTCATTCTTATCTCCAGCCTGGGAAA-3'